The following is an entry in ClinVar:

NM_000059.4(BRCA2):c.8398C>A (p.Pro2800Thr)

Gene: BRCA2 (BRCA2 DNA repair associated; plus strand). Cytogenetic location: 13q13.1.
Variant type: single nucleotide variant.
Coding change: c.8398C>A on transcript NM_000059.4 (MANE Select); coding-DNA position 8398, C replaced by A.
Protein change: p.Pro2800Thr; replaces proline 2800 with threonine.
Molecular consequence: missense variant.
Genome position (GRCh38, 1-based): chr13:32,370,468, C>A. VCF-style: chr13-32370468-C-A. GRCh37 (hg19) VCF-style: chr13-32944605-C-A.
Other names: short protein forms P2800T.
Identifiers: ClinVar variation 462479 (VCV000462479.9), dbSNP rs80359086, ClinGen allele CA387752488.

ClinVar aggregate classification (germline): Uncertain significance (1 of 4 stars; one submission).

Conditions:
Hereditary breast ovarian cancer syndrome. Also called: Hereditary breast and ovarian cancer syndrome (HBOC); Hereditary breast and ovarian cancer syndrome; Breast and ovarian cancer; Hereditary breast and/or ovarian cancer syndrome; Hereditary breast and ovarian cancer; BRCA1- and BRCA2-Associated Hereditary Breast and Ovarian Cancer. Identifiers: Orphanet 145, MedGen C0677776, MeSH D061325, MONDO:0003582. Disease mechanism: loss of function.

gnomAD v4.1: 2 of 1,613,926 alleles (0.00012%); highest among the groups gnomAD compares: Non-Finnish European, 0.00017%; no homozygotes.

Submission:

Labcorp Genetics (formerly Invitae), Labcorp
Classification: Uncertain significance for Hereditary breast ovarian cancer syndrome. Last evaluated: 2017-06-13. Review status: criteria provided, single submitter. Criteria: Invitae Variant Classification Sherloc (09022015). Collection method: clinical testing. Allele origin: germline.
Comment: This sequence change replaces proline with threonine at codon 2800 of the BRCA2 protein (p.Pro2800Thr). The proline residue is highly conserved and there is a small physicochemical difference between proline and threonine. This variant is not present in population databases (ExAC no frequency). This variant has been reported in the literature in an individual affected with breast cancer (PMID: 25777348). Algorithms developed to predict the effect of missense changes on protein structure and function (SIFT, PolyPhen-2, Align-GVGD) all suggest that this variant is likely to be disruptive, but these predictions have not been confirmed by published functional studies and their clinical significance is uncertain. In summary, this variant has uncertain impact on BRCA2 function. The available evidence is currently insufficient to determine its role in disease. Therefore, it has been classified as a Variant of Uncertain Significance.

Literature cited by the submitters: PubMed 25777348.